The following is an entry in ClinVar:

NM_000507.4(FBP1):c.926C>A (p.Thr309Lys)

Gene: FBP1 (fructose-bisphosphatase 1; minus strand). Cytogenetic location: 9q22.32.
Variant type: single nucleotide variant.
Coding change: c.926C>A on transcript NM_000507.4 (MANE Select); coding-DNA position 926, C replaced by A.
Protein change: p.Thr309Lys; replaces threonine 309 with lysine.
Molecular consequence: missense variant.
Genome position (GRCh38, 1-based): chr9:94,603,472, G>T on the plus strand (C>A on the coding strand, the complement: FBP1 is on the minus strand). VCF-style: chr9-94603472-G-T. GRCh37 (hg19) VCF-style: chr9-97365754-G-T.
Other names: c.926C>A, p.Thr309Lys (NM_001127628.2); short protein forms T309K.
Identifiers: ClinVar variation 1962572 (VCV001962572.5), dbSNP rs2538927285, ClinGen allele CA374105816.

ClinVar aggregate classification (germline): Uncertain significance (1 of 4 stars; one submission).

Conditions:
Fructose-biphosphatase deficiency (FBP1D). Also called: Fructose 1,6 Bisphosphatase Deficiency; Fructose-1,6-Bisphosphatase 1 Deficiency; Fructose-1,6-Diphosphatase Deficiency. Identifiers: Orphanet 348, MedGen C0016756, MONDO:0009251, OMIM 229700.

Allele frequency attached by ClinVar (database versions not stated): gnomAD exomes below 0.00001.
gnomAD v4.1: 2 of 1,614,090 alleles (0.00012%); highest among the groups gnomAD compares: Admixed American, 0.0033%; no homozygotes.

Submission:

Labcorp Genetics (formerly Invitae), Labcorp
Classification: Uncertain significance for Fructose-biphosphatase deficiency. Last evaluated: 2022-11-08. Review status: criteria provided, single submitter. Criteria: Invitae Variant Classification Sherloc (09022015). Collection method: clinical testing. Allele origin: germline.
Comment: In summary, the available evidence is currently insufficient to determine the role of this variant in disease. Therefore, it has been classified as a Variant of Uncertain Significance. Advanced modeling of protein sequence and biophysical properties (such as structural, functional, and spatial information, amino acid conservation, physicochemical variation, residue mobility, and thermodynamic stability) performed at Invitae indicates that this missense variant is not expected to disrupt FBP1 protein function. This variant has not been reported in the literature in individuals affected with FBP1-related conditions. This variant is not present in population databases (gnomAD no frequency). This sequence change replaces threonine, which is neutral and polar, with lysine, which is basic and polar, at codon 309 of the FBP1 protein (p.Thr309Lys).